The following is an entry in ClinVar:

ClinVar aggregate classification (germline): Uncertain significance (1 of 4 stars; one submission).

Submission:

Labcorp Genetics (formerly Invitae), Labcorp
Classification: Uncertain significance. Last evaluated: 2022-08-09. Review status: criteria provided, single submitter. Criteria: Invitae Variant Classification Sherloc (09022015). Collection method: clinical testing. Allele origin: germline.
Comment: In summary, the available evidence is currently insufficient to determine the role of this variant in disease. Therefore, it has been classified as a Variant of Uncertain Significance. Algorithms developed to predict the effect of missense changes on protein structure and function (SIFT, PolyPhen-2, Align-GVGD) all suggest that this variant is likely to be tolerated. This variant has not been reported in the literature in individuals affected with KMT2C-related conditions. This variant is not present in population databases (gnomAD no frequency). This sequence change replaces asparagine, which is neutral and polar, with lysine, which is basic and polar, at codon 1552 of the KMT2C protein (p.Asn1552Lys).

NM_170606.3(KMT2C):c.4656T>A (p.Asn1552Lys)

Gene: KMT2C (lysine methyltransferase 2C; minus strand). Cytogenetic location: 7q36.1.
Variant type: single nucleotide variant.
Coding change: c.4656T>A on transcript NM_170606.3 (MANE Select); coding-DNA position 4656, T replaced by A.
Protein change: p.Asn1552Lys; replaces asparagine 1552 with lysine.
Molecular consequence: missense variant.
Genome position (GRCh38, 1-based): chr7:152,194,013, A>T on the plus strand (T>A on the coding strand, the complement: KMT2C is on the minus strand). VCF-style: chr7-152194013-A-T. GRCh37 (hg19) VCF-style: chr7-151891098-A-T.
Other names: short protein forms N1552K.
Identifiers: ClinVar variation 1715866 (VCV001715866.5), dbSNP rs2487855113, ClinGen allele CA370104839.